The following is an entry in ClinVar:

ClinVar aggregate classification (germline): Pathogenic (1 of 4 stars; one submission).

Submission:

Labcorp Genetics (formerly Invitae), Labcorp
Classification: Pathogenic. Last evaluated: 2022-04-30. Review status: criteria provided, single submitter. Criteria: Invitae Variant Classification Sherloc (09022015). Collection method: clinical testing. Allele origin: germline.
Comment: For these reasons, this variant has been classified as Pathogenic. This variant has not been reported in the literature in individuals affected with ADAMTSL4-related conditions. This variant is not present in population databases (gnomAD no frequency). This sequence change creates a premature translational stop signal (p.Gly552Profs*35) in the ADAMTSL4 gene. It is expected to result in an absent or disrupted protein product. Loss-of-function variants in ADAMTSL4 are known to be pathogenic (PMID: 20564469, 28642162).

Literature cited by the submitters: PubMed 20564469; PubMed 28642162.

NM_019032.6(ADAMTSL4):c.1648_1652dup (p.Gly552fs)

Genes: ADAMTSL4 (ADAMTS like 4; plus strand), ADAMTSL4-AS2 (ADAMTSL4 antisense RNA 2; minus strand). Cytogenetic location: 1q21.2.
Variant type: Duplication.
Coding change: c.1648_1652dup on transcript NM_019032.6 (MANE Select); coding-DNA positions 1648 to 1652, 5 bases duplicated (GCCGG; older notation c.1648_1652dupGCCGG).
Protein change: p.Gly552fs; shifts the reading frame from glycine 552.
Molecular consequence: frameshift variant.
Genome position (GRCh38, 1-based): chr1:150,556,692-150,556,696, GCCGG duplicated; duplicating any 5 consecutive bases within chr1:150,556,690-150,556,696 gives the same sequence; the c. name uses the placement nearest the transcript's 3' end. VCF-style (leftmost placement, unchanged base first): chr1-150556689-A-AGGGCC. GRCh37 (hg19) VCF-style: chr1-150529165-A-AGGGCC.
Other names: c.1717_1721dup, p.Gly575fs (NM_001288607.2, NM_001288608.2); c.1648_1652dup, p.Gly552fs (NM_001378596.1, NM_025008.5); short protein forms G552fs, G575fs.
Identifiers: ClinVar variation 2132120 (VCV002132120.4), dbSNP rs2526707946, ClinGen allele CA2580061034.